The following is an entry in ClinVar:

ClinVar aggregate classification (germline): Uncertain significance (1 of 4 stars; one submission).

Conditions:
Wagner disease. Also called: WAGNER SYNDROME 1; HYALOIDEORETINAL DEGENERATION OF WAGNER; WAGNER VITREORETINAL DEGENERATION; Wagner syndrome; WAGNER VITREORETINOPATHY; Wagner Vitreoretinal Degeneration (Wagner Synrdome). Identifiers: Orphanet 898, MedGen C1840452, MONDO:0007740, OMIM 143200.

Submission:

Institute of Human Genetics, University of Leipzig Medical Center
Classification: Uncertain significance for Wagner disease. Last evaluated: 2024-08-20. Review status: criteria provided, single submitter. Criteria: ACMG Guidelines, 2015. Collection method: clinical testing. Allele origin: unknown. Inheritance: Autosomal dominant inheritance. Affected: yes.
Comment: Criteria applied: PM2, PP3

NM_004385.5(VCAN):c.4004G>T (p.Gly1335Val)

Genes: VCAN (versican; plus strand), VCAN-AS1 (VCAN antisense RNA 1; minus strand). Cytogenetic location: 5q14.3.
Variant type: single nucleotide variant.
Coding change: c.4004G>T on transcript NM_004385.5 (MANE Select); coding-DNA position 4004, G replaced by T.
Protein change: p.Gly1335Val; replaces glycine 1335 with valine.
Molecular consequence: missense variant. On other transcripts: intron variant (2).
Genome position (GRCh38, 1-based): chr5:83,537,007, G>T. VCF-style: chr5-83537007-G-T. GRCh37 (hg19) VCF-style: chr5-82832826-G-T.
Other names: c.1043G>T, p.Arg348Leu (NM_001164097.2); c.4004-8530G>T (NM_001164098.2); c.1043-8530G>T (NM_001126336.3); short protein forms G1335V, R348L.
Identifiers: ClinVar variation 3359064 (VCV003359064.2).